The following is an entry in ClinVar:

NM_198282.4(STING1):c.184G>A (p.Gly62Arg)

Gene: STING1 (stimulator of interferon response cGAMP interactor 1; minus strand). Cytogenetic location: 5q31.2.
Variant type: single nucleotide variant.
Coding change: c.184G>A on transcript NM_198282.4 (MANE Select); coding-DNA position 184, G replaced by A.
Protein change: p.Gly62Arg; replaces glycine 62 with arginine.
Molecular consequence: missense variant. On other transcripts: intron variant (1).
Genome position (GRCh38, 1-based): chr5:139,481,521, C>T on the plus strand (G>A on the coding strand, the complement: STING1 is on the minus strand). VCF-style: chr5-139481521-C-T. GRCh37 (hg19) VCF-style: chr5-138861106-C-T.
Other names: c.184G>A, p.Gly62Arg (NM_001301738.2); c.-130-179G>A (NM_001367258.1); c.184G>A (NM_198282.2); short protein forms G62R.
Identifiers: ClinVar variation 1680276 (VCV001680276.9), dbSNP rs766819764, ClinGen allele CA3435489.
Genomic context (GRCh38, chr5:139,481,521, plus strand): 5'-GTACTGCAGTGAGTCACCTGGAGTGGATGTGGCGCAGCTCCTCAGCCAGGCTGCAGACCC[C>T]GTTTAACAGCAGTCCCAGCTGCAGGGAGGCTAGGTGGAGCACCAGGTACCGGAGAGTGTG-3'
Protein context (NP_938023.1, residues 52-72): ASLQLGLLLN[Gly62Arg]VCSLAEELRH

ClinVar aggregate classification (germline): Conflicting classifications of pathogenicity. Review status: criteria provided, conflicting classifications (1 of 4 stars). 2 submissions from 2 submitters: Uncertain significance (1); Likely benign (1). Last evaluated 2025-07-15.

Conditions:
Inborn genetic diseases. Identifiers: MedGen C0950123, MeSH D030342.
STING-associated vasculopathy with onset in infancy. Also called: Sting-associated vasculopathy, infantile-onset. Identifiers: Orphanet 425120, MedGen C4014722, MONDO:0014405, OMIM 615934.

Allele frequency attached by ClinVar (database versions not stated): gnomAD exomes below 0.00001 and 0.00001; ExAC 0.00001; gnomAD 0.00001; TOPMed 0.00001.

Submissions (2):

Ambry Genetics
Classification: Likely benign for Inborn genetic diseases. Last evaluated: 2025-07-15. Review status: criteria provided, single submitter. Criteria: Ambry Variant Classification Scheme 2023. Collection method: clinical testing. Allele origin: germline.

Labcorp Genetics (formerly Invitae), Labcorp
Classification: Uncertain significance for STING-associated vasculopathy with onset in infancy. Last evaluated: 2023-09-23. Review status: criteria provided, single submitter. Criteria: Invitae Variant Classification Sherloc (09022015). Collection method: clinical testing. Allele origin: germline.
Comment: This variant is present in population databases (rs766819764, gnomAD 0.0009%). This sequence change replaces glycine, which is neutral and non-polar, with arginine, which is basic and polar, at codon 62 of the TMEM173 protein (p.Gly62Arg). This variant has not been reported in the literature in individuals affected with TMEM173-related conditions. In summary, the available evidence is currently insufficient to determine the role of this variant in disease. Therefore, it has been classified as a Variant of Uncertain Significance. Advanced modeling of protein sequence and biophysical properties (such as structural, functional, and spatial information, amino acid conservation, physicochemical variation, residue mobility, and thermodynamic stability) performed at Invitae indicates that this missense variant is not expected to disrupt TMEM173 protein function. ClinVar contains an entry for this variant (Variation ID: 1680276).